The following is an entry in ClinVar:

ClinVar aggregate classification (germline): Pathogenic (1 of 4 stars; one submission).

Conditions:
CHD7-related CHARGE syndrome. Identifiers: MedGen CN380413, MONDO:1010178, OMIM 214800.

Submission:

Molecular Genetics Laboratory, Motol Hospital
Classification: Pathogenic for CHD7-related CHARGE syndrome. Last evaluated: 2012-10-08. Review status: criteria provided, single submitter. Criteria: ACMG Guidelines, 2015. Collection method: clinical testing. Allele origin: de novo. Affected: yes. Observed: 1 variant allele.
Comment: Rare loss-of-function variants in the CHD7 gene are associated with autosomal dominant CHARGE syndrome (MIM:214800). Rare variant not present in the non-Finnish European poulation (gnomAD v4.1.0). The variant is classified as pathogenic.

NM_017780.4(CHD7):c.3971_3974dup (p.Tyr1325Ter)

Gene: CHD7 (chromodomain helicase DNA binding protein 7; plus strand). Cytogenetic location: 8q12.2.
Variant type: Duplication.
Coding change: c.3971_3974dup on transcript NM_017780.4 (MANE Select); coding-DNA positions 3971 to 3974, 4 bases duplicated (ACTA; older notation c.3971_3974dupACTA).
Protein change: p.Tyr1325Ter; replaces tyrosine 1325 with a stop codon.
Molecular consequence: nonsense. On other transcripts: intron variant (1).
Genome position (GRCh38, 1-based): chr8:60,836,265-60,836,268, ACTA duplicated. VCF-style (leftmost placement, unchanged base first): chr8-60836264-G-GACTA. GRCh37 (hg19) VCF-style: chr8-61748823-G-GACTA.
Other names: c.1717-25964_1717-25961dup (NM_001316690.1); c.3974_3975insACTA (NM_017780.4); short protein forms Y1325*.
Identifiers: ClinVar variation 4819312 (VCV004819312.1).
Genomic context (GRCh38, chr8:60,836,264, plus strand): 5'-GCTGGTGGCCACAGGGTGCTTATCTTTTCCCAGATGGTGCGCTGCTTGGACATACTGGAA[G>GACTA]ACTACCTCATTCAAAGACGGTGAGGACCACCATATCAGAATAATAAAAAGGAAATCTAAA-3'